The following is an entry in ClinVar:

NM_006767.4(LZTR1):c.1026T>G (p.Cys342Trp)

Gene: LZTR1 (leucine zipper like post translational regulator 1; plus strand). Cytogenetic location: 22q11.21.
Variant type: single nucleotide variant.
Coding change: c.1026T>G on transcript NM_006767.4 (MANE Select); coding-DNA position 1026, T replaced by G.
Protein change: p.Cys342Trp; replaces cysteine 342 with tryptophan.
Molecular consequence: missense variant.
Genome position (GRCh38, 1-based): chr22:20,992,246, T>G. VCF-style: chr22-20992246-T-G. GRCh37 (hg19) VCF-style: chr22-21346535-T-G.
Other names: short protein forms C342W.
Identifiers: ClinVar variation 3573620 (VCV003573620.4).

ClinVar aggregate classification (germline): Conflicting classifications of pathogenicity. Review status: criteria provided, conflicting classifications (1 of 4 stars). 3 submissions from 3 submitters: Uncertain significance (2); Likely benign (1). Last evaluated 2026-06-23.

Conditions:
Hereditary cancer-predisposing syndrome. Also called: Hereditary neoplastic syndrome; Neoplastic Syndromes, Hereditary; Tumor predisposition; Hereditary Cancer Syndrome. Identifiers: Orphanet 140162, MedGen C0027672, MeSH D009386, MONDO:0015356.
Cardiovascular phenotype. Identifiers: MedGen CN230736.

gnomAD v4.1: 1 of 1,613,954 alleles (0.000062%); highest among the groups gnomAD compares: Non-Finnish European, 0.000085%; no homozygotes.

Submissions (3):

Ambry Genetics
Classification: Likely benign for Cardiovascular phenotype; Hereditary cancer-predisposing syndrome. Last evaluated: 2026-06-23. Review status: criteria provided, single submitter. Criteria: Ambry Variant Classification Scheme 2023. Collection method: clinical testing. Allele origin: germline.

Labcorp Genetics (formerly Invitae), Labcorp
Classification: Uncertain significance. Last evaluated: 2025-04-03. Review status: criteria provided, single submitter. Criteria: Invitae Variant Classification Sherloc (09022015). Collection method: clinical testing. Allele origin: germline.
Comment: This sequence change replaces cysteine, which is neutral and slightly polar, with tryptophan, which is neutral and slightly polar, at codon 342 of the LZTR1 protein (p.Cys342Trp). This variant is not present in population databases (gnomAD no frequency). This variant has not been reported in the literature in individuals affected with LZTR1-related conditions. ClinVar contains an entry for this variant (Variation ID: 3573620). Invitae Evidence Modeling of protein sequence and biophysical properties (such as structural, functional, and spatial information, amino acid conservation, physicochemical variation, residue mobility, and thermodynamic stability) indicates that this missense variant is not expected to disrupt LZTR1 protein function with a negative predictive value of 80%. In summary, the available evidence is currently insufficient to determine the role of this variant in disease. Therefore, it has been classified as a Variant of Uncertain Significance.

GeneDx
Classification: Uncertain significance. Last evaluated: 2024-07-15. Review status: criteria provided, single submitter. Criteria: GeneDx Variant Classification Process June 2021. Collection method: clinical testing. Allele origin: germline. Affected: yes.
Comment: Not observed at significant frequency in large population cohorts (gnomAD); In silico analysis indicates that this missense variant does not alter protein structure/function; Has not been previously published as pathogenic or benign to our knowledge